The following is an entry in ClinVar:

NM_002334.4(LRP4):c.1765C>T (p.Arg589Cys)

Gene: LRP4 (LDL receptor related protein 4; minus strand). Cytogenetic location: 11p11.2.
Variant type: single nucleotide variant.
Coding change: c.1765C>T on transcript NM_002334.4 (MANE Select); coding-DNA position 1765, C replaced by T.
Protein change: p.Arg589Cys; replaces arginine 589 with cysteine.
Molecular consequence: missense variant.
Genome position (GRCh38, 1-based): chr11:46,890,427, G>A on the plus strand (C>T on the coding strand, the complement: LRP4 is on the minus strand). VCF-style: chr11-46890427-G-A. GRCh37 (hg19) VCF-style: chr11-46911978-G-A.
Other names: c.1765C>T (NM_002334.3); short protein forms R589C.
Identifiers: ClinVar variation 1928243 (VCV001928243.6), dbSNP rs768149014, ClinGen allele CA5970062.

ClinVar aggregate classification (germline): Uncertain significance. Review status: criteria provided, multiple submitters, no conflicts (2 of 4 stars). 3 submissions from 3 submitters: Uncertain significance (2). 1 of the submissions does not count toward it. Last evaluated 2025-09-16.

Conditions:
Cenani-Lenz syndactyly syndrome. Also called: CENANI SYNDACTYLISM; SYNDACTYLY, TYPE VII. Identifiers: Orphanet 3258, MedGen C1859309, MONDO:0008931, OMIM 212780.
LRP4-related disorder. Also called: LRP4-related condition.
Sclerosteosis 2 (SOST2). Identifiers: Orphanet 3152, MedGen C3280402, MONDO:0013679, OMIM 614305.
Congenital myasthenic syndrome 17. Identifiers: Orphanet 590, MedGen C4225377, MONDO:0014578, OMIM 616304.

Allele frequency attached by ClinVar (database versions not stated): gnomAD exomes 0.00001; TOPMed 0.00001; ExAC 0.00001.
gnomAD v4.1: 15 of 1,614,112 alleles (0.00093%); highest among the groups gnomAD compares: Admixed American, 0.0017%; no homozygotes.

Submissions (3):

Dasa
Classification: Uncertain significance for Cenani-Lenz syndactyly syndrome. Last evaluated: 2025-09-16. Review status: criteria provided, single submitter. Criteria: DASA Assertion Criteria. Collection method: clinical testing. Allele origin: germline.
Comment: NM_002334.4(LRP4):c.1765C>T (p.Arg589Cys) is a missense variant that results in the substitution of arginine with cysteine. This variant is rare in population databases. Computational prediction algorithms are consistent with a deleterious effect. The currently available literature and clinical evidence are not sufficient to establish a definitive association between this variant and the reported condition. Therefore, this variant is classified as a variant of uncertain significance.

Labcorp Genetics (formerly Invitae), Labcorp
Classification: Uncertain significance for Cenani-Lenz syndactyly syndrome; Sclerosteosis 2; Congenital myasthenic syndrome 17. Last evaluated: 2022-11-08. Review status: criteria provided, single submitter. Criteria: Invitae Variant Classification Sherloc (09022015). Collection method: clinical testing. Allele origin: germline.
Comment: This variant is present in population databases (rs768149014, gnomAD 0.003%). In summary, the available evidence is currently insufficient to determine the role of this variant in disease. Therefore, it has been classified as a Variant of Uncertain Significance. Advanced modeling of protein sequence and biophysical properties (such as structural, functional, and spatial information, amino acid conservation, physicochemical variation, residue mobility, and thermodynamic stability) performed at Invitae indicates that this missense variant is expected to disrupt LRP4 protein function. This variant has not been reported in the literature in individuals affected with LRP4-related conditions. This sequence change replaces arginine, which is basic and polar, with cysteine, which is neutral and slightly polar, at codon 589 of the LRP4 protein (p.Arg589Cys).

PreventionGenetics, part of Exact Sciences
Classification: Uncertain significance for LRP4-related condition. Last evaluated: 2024-06-17. Review status: no assertion criteria provided. Collection method: clinical testing. Allele origin: germline. Not counted in ClinVar's aggregate classification.
Comment: The LRP4 c.1765C>T variant is predicted to result in the amino acid substitution p.Arg589Cys. To our knowledge, this variant has not been reported in the literature. This variant is reported in 0.0029% of alleles in individuals of Latino descent in gnomAD. At this time, the clinical significance of this variant is uncertain due to the absence of conclusive functional and genetic evidence.